The following is an entry in ClinVar:

ClinVar aggregate classification (germline): Likely pathogenic (1 of 4 stars; one submission).

Conditions:
Hyperekplexia 3 (HKPX3). Also called: HYPEREKPLEXIA 3, AUTOSOMAL RECESSIVE; HYPEREKPLEXIA 3, AUTOSOMAL DOMINANT. Identifiers: Orphanet 3197, MedGen C3553288, MONDO:0013827, OMIM 614618.

gnomAD v4.1: 10 of 1,613,954 alleles (0.00062%); highest among the groups gnomAD compares: African/African-American, 0.0027%; no homozygotes.

Submission:

Labcorp Genetics (formerly Invitae), Labcorp
Classification: Likely pathogenic for Hyperekplexia 3. Last evaluated: 2024-09-30. Review status: criteria provided, single submitter. Criteria: Invitae Variant Classification Sherloc (09022015). Collection method: clinical testing. Allele origin: germline.
Comment: This sequence change affects an acceptor splice site in intron 14 of the SLC6A5 gene. It is expected to disrupt RNA splicing. Variants that disrupt the donor or acceptor splice site typically lead to a loss of protein function (PMID: 16199547), and loss-of-function variants in SLC6A5 are known to be pathogenic (PMID: 14622583, 16751771, 22700964). This variant is present in population databases (no rsID available, gnomAD 0.007%). This variant has not been reported in the literature in individuals affected with SLC6A5-related conditions. Algorithms developed to predict the effect of sequence changes on RNA splicing suggest that this variant may disrupt the consensus splice site. In summary, the currently available evidence indicates that the variant is pathogenic, but additional data are needed to prove that conclusively. Therefore, this variant has been classified as Likely Pathogenic.

Literature cited by the submitters: PubMed 16199547; PubMed 14622583; PubMed 16751771; PubMed 22700964.

NM_004211.5(SLC6A5):c.2071-1G>A

Gene: SLC6A5 (solute carrier family 6 member 5; plus strand). Cytogenetic location: 11p15.1.
Variant type: single nucleotide variant.
Coding change: c.2071-1G>A on transcript NM_004211.5 (MANE Select); the canonical splice acceptor site of the intron before coding-DNA position 2071, G replaced by A.
Molecular consequence: splice acceptor variant.
Genome position (GRCh38, 1-based): chr11:20,652,288, G>A. VCF-style: chr11-20652288-G-A. GRCh37 (hg19) VCF-style: chr11-20673834-G-A.
Other names: c.1369-1G>A (NM_001318369.2).
Identifiers: ClinVar variation 3626262 (VCV003626262.2).